The following is an entry in ClinVar:

ClinVar aggregate classification (germline): Uncertain significance (1 of 4 stars; one submission).

Conditions:
Epileptic encephalopathy. Identifiers: MedGen C0543888, HP:0200134.

Allele frequency attached by ClinVar (database versions not stated): gnomAD exomes below 0.00001; ExAC 0.00001; gnomAD 0.00005 and 0.00006; TOPMed 0.00006.
gnomAD v4.1: 26 of 1,609,556 alleles (0.0016%); highest among the groups gnomAD compares: African/African-American, 0.015%; no homozygotes.

Submission:

Labcorp Genetics (formerly Invitae), Labcorp
Classification: Uncertain significance for Epileptic encephalopathy. Last evaluated: 2025-12-01. Review status: criteria provided, single submitter. Criteria: Invitae Variant Classification Sherloc (09022015). Collection method: clinical testing. Allele origin: germline.
Comment: This sequence change replaces arginine, which is basic and polar, with glutamine, which is neutral and polar, at codon 2233 of the FASN protein (p.Arg2233Gln). This variant is present in population databases (rs377568390, gnomAD 0.007%). This variant has not been reported in the literature in individuals affected with FASN-related conditions. ClinVar contains an entry for this variant (Variation ID: 1516841). An algorithm developed to predict the effect of missense changes on protein structure and function outputs the following: PolyPhen-2: "Benign". The glutamine amino acid residue is found in multiple mammalian species, which suggests that this missense change does not adversely affect protein function. In summary, the available evidence is currently insufficient to determine the role of this variant in disease. Therefore, it has been classified as a Variant of Uncertain Significance.

NM_004104.5(FASN):c.6698G>A (p.Arg2233Gln)

Gene: FASN (fatty acid synthase; minus strand). Cytogenetic location: 17q25.3.
Variant type: single nucleotide variant.
Coding change: c.6698G>A on transcript NM_004104.5 (MANE Select); coding-DNA position 6698, G replaced by A.
Protein change: p.Arg2233Gln; replaces arginine 2233 with glutamine.
Molecular consequence: missense variant.
Genome position (GRCh38, 1-based): chr17:82,080,820, C>T on the plus strand (G>A on the coding strand, the complement: FASN is on the minus strand). VCF-style: chr17-82080820-C-T. GRCh37 (hg19) VCF-style: chr17-80038696-C-T.
Other names: short protein forms R2233Q.
Identifiers: ClinVar variation 1516841 (VCV001516841.8), dbSNP rs377568390, ClinGen allele CA8851218.
Genomic context (GRCh38, chr17:82,080,820, plus strand): 5'-GAGCCCTCGATTGGGTGCACCAGGAACAGGGGCCGCTCCGAGCTCTGCACGGAGTTGAGC[C>T]GCATCAGGGTGGGGCCCTCCGGGTTCACCAGCAGGGAGCGCAGGTTCAGCTGAGTCTGCT-3'
Protein context (NP_004095.4, residues 2223-2243): LVNPEGPTLM[Arg2233Gln]LNSVQSSERP